The following is an entry in ClinVar:

NM_001113378.2(FANCI):c.71T>C (p.Leu24Pro)

Gene: FANCI (FA complementation group I; plus strand). Cytogenetic location: 15q26.1.
Variant type: single nucleotide variant.
Coding change: c.71T>C on transcript NM_001113378.2 (MANE Select); coding-DNA position 71, T replaced by C.
Protein change: p.Leu24Pro; replaces leucine 24 with proline.
Molecular consequence: missense variant. On other transcripts: 5 prime UTR variant (1).
Genome position (GRCh38, 1-based): chr15:89,247,718, T>C. VCF-style: chr15-89247718-T-C. GRCh37 (hg19) VCF-style: chr15-89790949-T-C.
Other names: c.-204T>C (NM_001376910.1); c.71T>C, p.Leu24Pro (NM_001376911.1, NM_018193.3); short protein forms L24P.
Identifiers: ClinVar variation 4741443 (VCV004741443.1).

ClinVar aggregate classification (germline): Uncertain significance (1 of 4 stars; one submission).

Conditions:
Fanconi anemia (FA). Also called: Fanconi's anemia. Identifiers: Orphanet 84, MedGen C0015625, MeSH D005199, MONDO:0019391.

Submission:

Labcorp Genetics (formerly Invitae), Labcorp
Classification: Uncertain significance for Fanconi anemia. Last evaluated: 2025-06-08. Review status: criteria provided, single submitter. Criteria: Invitae Variant Classification Sherloc (09022015). Collection method: clinical testing. Allele origin: germline.
Comment: This sequence change replaces leucine, which is neutral and non-polar, with proline, which is neutral and non-polar, at codon 24 of the FANCI protein (p.Leu24Pro). This variant is not present in population databases (gnomAD no frequency). This variant has not been reported in the literature in individuals affected with FANCI-related conditions. Invitae Evidence Modeling of protein sequence and biophysical properties (such as structural, functional, and spatial information, amino acid conservation, physicochemical variation, residue mobility, and thermodynamic stability) indicates that this missense variant is expected to disrupt FANCI protein function with a positive predictive value of 80%. In summary, the available evidence is currently insufficient to determine the role of this variant in disease. Therefore, it has been classified as a Variant of Uncertain Significance.